The following is an entry in ClinVar:

ClinVar aggregate classification (germline): Conflicting classifications of pathogenicity. Review status: criteria provided, conflicting classifications (1 of 4 stars). 12 submissions from 12 submitters: Pathogenic (7); Likely pathogenic (1); Uncertain significance (1). 3 of the submissions do not count toward it. Last evaluated 2024-06-14.

Conditions:
CEBALID syndrome (CEBALID). Also called: MN1 C-TERMINAL TRUNCATION SYNDROME; CRANIOFACIAL DEFECTS, DYSMORPHIC EARS, STRUCTURAL BRAIN ABNORMALITIES, EXPRESSIVE LANGUAGE DELAY, AND IMPAIRED INTELLECTUAL DEVELOPMENT. Identifiers: Orphanet 693549, MedGen C5394044, MONDO:0032908, OMIM 618774.
MN1 C-terminal truncation (MCTT) syndrome.
Multiple congenital anomalies/dysmorphic syndrome-intellectual disability. Identifiers: Orphanet 102283, MedGen C5680372, MONDO:0015159.
Inborn genetic diseases. Identifiers: MedGen C0950123, MeSH D030342.

gnomAD v4.1: 1 of 1,613,012 alleles (0.000062%); highest among the groups gnomAD compares: Non-Finnish European, 0.000085%; no homozygotes.

Submissions (12):

3billion
Classification: Pathogenic for CEBALID syndrome. Last evaluated: 2024-06-14. Review status: criteria provided, single submitter. Criteria: ACMG Guidelines, 2015. Collection method: clinical testing. Allele origin: germline. Affected: yes.
Comment: The variant is observed at an extremely low frequency in the gnomAD v4.0.0 dataset (total allele frequency: <0.001%). Predicted Consequence/Location: Stop-gained (nonsense): predicted to result in a loss or disruption of normal protein function through protein truncation. Multiple pathogenic variants are reported in the predicted truncated region. The variant has been reported at least twice as pathogenic with clinical assertions and evidence for the classification (ClinVar ID: VCV000072912 /PMID: 26795593). Therefore, this variant is classified as Pathogenic according to the recommendation of ACMG/AMP guideline.

Ambry Genetics
Classification: Pathogenic for Inborn genetic diseases. Last evaluated: 2022-09-02. Review status: criteria provided, single submitter. Criteria: Ambry Variant Classification Scheme 2023. Collection method: clinical testing. Allele origin: germline.
Comment: The c.3883C>T (p.R1295*) alteration, located in exon 2 of the MN1 gene, results from a C to T substitution at nucleotide position 3883. This changes the amino acid from an arginine (R) to a stop codon at amino acid position 1295. This alteration occurs at the 3' terminus of the MN1 gene, is not expected to trigger nonsense-mediated mRNA decay, and only impacts the last 25 amino acids of the protein. However, premature stop codons are typically deleterious in nature and this alteration and similar truncating alterations have been reported in the literature as disease-causing. This variant was not reported in population-based cohorts in the Genome Aggregation Database (gnomAD). This variant has been determined to be the result of a de novo mutation or germline mosaicism in multiple individuals with MN1 C-terminal deletion syndrome (Mak, 2020; Miyake, 2020, DECIPHER v.9.32, Ambry internal data). Functional analysis demonstrated protein that contain the p.R1295* alteration is still expressed but with a predicted absence of the C-terminal region. Protein without the C-terminal region showed increased stability and aggregation, as well as an inhibitory effect on cell proliferation compared to wild type. Additionally, transcriptome analysis of lymphoblastoid cell lines from a heterozygous patient suggested abnormal transcriptional regulation of multiple genes (Miyake, 2020). Based on the available evidence, this alteration is classified as pathogenic.

GeneDx
Classification: Pathogenic. Last evaluated: 2022-01-21. Review status: criteria provided, single submitter. Criteria: GeneDx Variant Classification Process June 2021. Collection method: clinical testing. Allele origin: germline. Affected: yes.
Comment: Nonsense variant in the C-terminus predicted to result in protein truncation, as the last 26 amino acids are lost, and other gain-of-function variants have been reported downstream in the Human Gene Mutation Database (HGMD); Not observed in large population cohorts (gnomAD); This variant is associated with the following publications: (PMID: 26795593, 31834374, 28135719, 31839203, 31785789, 33057194, 35982159, 35591945)

AURAGEN, Plan France Médecine Génomique
Classification: Pathogenic for Multiple congenital anomalies/dysmorphic syndrome-intellectual disability. Last evaluated: 2021-06-28. Review status: criteria provided, single submitter. Criteria: PFMG2025 (Lancet Reg Health Eur. 2025). Collection method: clinical testing. Allele origin: germline. Affected: yes.

Baylor Genetics
Classification: Pathogenic for CEBALID syndrome. Last evaluated: 2021-02-01. Review status: criteria provided, single submitter. Criteria: ACMG Guidelines, 2015. Collection method: clinical testing. Allele origin: unknown.

SIB Swiss Institute of Bioinformatics
Classification: Pathogenic for CEBALID syndrome. Last evaluated: 2020-07-29. Review status: criteria provided, single submitter. Criteria: ACMG Guidelines, 2015. Collection method: curation. Allele origin: unknown.
Comment: This variant is interpreted as Pathogenic for CEBALID syndrome, autosomal dominant. The following ACMG Tag(s) were applied: Absent from controls (or at extremely low frequency if recessive) in Exome Sequencing Project, 1000 Genomes Project, or Exome Aggregation Consortium (PM2); Protein length changes as a result of in-frame deletions/insertions in a nonrepeat region or stop-loss variants (PM4); De novo (paternity and maternity confirmed) (PS2 upgraded to very strong); Prevalence in affected individuals statistically increased over controls (PS4 downgraded to moderate).

CeGaT Center for Human Genetics Tuebingen
Classification: Likely pathogenic. Last evaluated: 2020-07-01. Review status: criteria provided, single submitter. Criteria: CeGaT Center For Human Genetics Tuebingen Variant Classification Criteria Version 2. Collection method: clinical testing. Allele origin: germline. Affected: yes. Observed: 1 variant allele.

Victorian Clinical Genetics Services, Murdoch Childrens Research Institute
Classification: Pathogenic for CEBALID syndrome. Last evaluated: 2020-06-11. Review status: criteria provided, single submitter. Criteria: ACMG Guidelines, 2015. Collection method: clinical testing. Allele origin: germline. Inheritance: Autosomal dominant inheritance. Affected: yes.
Comment: Based on the classification scheme VCGS_Germline_v1.1.1, this variant is classified as Pathogenic. Following criteria are met: 0101 - Gain-of-function is a known mechanism of disease for this gene. (N) 0107 - This gene is known to be associated with autosomal dominant disease. (N) 0205 - Variant is predicted to result in a truncated protein with less than 1/3 of the protein affected (exon 2 of 2). (P) 0251 - Variant is heterozygous. (N) 0301 - Variant is absent from gnomAD. (P) 0601 - Variant affects at least one well-established (essential) functional domain or motif. The C-terminus is responsible for protein degradation (PMID: 31839203). (P) 0703 - Comparable variants have moderate previous evidence for pathogenicity. Three truncating variants have been reported downstream from this variant (PMID: 31834374). (P) 0801 - Strong previous evidence of pathogenicity in unrelated individuals. This variant has been reported to be de novo in nine patients with CEBALID syndrome (PMID: 31834374, 31839203). (P) Legend: (P) - Pathogenic, (N) - Neutral, (B) - Benign

Eurofins Ntd Llc (ga)
Classification: Uncertain significance. Last evaluated: 2016-10-31. Review status: criteria provided, single submitter. Criteria: EGL Classification Definitions 2015. Collection method: clinical testing. Allele origin: germline. Observed: 1 variant allele, 1 heterozygote.

OMIM
Classification: Pathogenic for CEBALID SYNDROME. Last evaluated: 2020-02-14. Review status: no assertion criteria provided. Collection method: literature only. Allele origin: germline. Not counted in ClinVar's aggregate classification.

GeneReviews
No classification provided. Condition: CEBALID syndrome. Review status: no classification provided. Collection method: literature only. Allele origin: germline. Not counted in ClinVar's aggregate classification.
Comment: Recurrent pathogenic variant in 9 out of 25 persons

University of Washington Center for Mendelian Genomics, University of Washington
Classification: Likely pathogenic for MN1 C-terminal truncation (MCTT) syndrome. Review status: no assertion criteria provided. Collection method: research. Allele origin: de novo. Affected: yes. Observed: 8 variant alleles. Not counted in ClinVar's aggregate classification.

Literature cited by the submitters: PubMed 26795593 (cited by 3billion); PubMed 31834374 (cited by 6 submitters); PubMed 31839203 (cited by 5 submitters); PubMed 28135719 (cited by GeneReviews); PubMed 28330790 (cited by GeneReviews); PubMed 32790267 (cited by GeneReviews).

NM_002430.3(MN1):c.3883C>T (p.Arg1295Ter)

Gene: MN1 (MN1 proto-oncogene, transcriptional regulator; minus strand). Cytogenetic location: 22q12.1.
Variant type: single nucleotide variant.
Coding change: c.3883C>T on transcript NM_002430.3 (MANE Select); coding-DNA position 3883, C replaced by T.
Protein change: p.Arg1295Ter; replaces arginine 1295 with a stop codon.
Molecular consequence: nonsense.
Genome position (GRCh38, 1-based): chr22:27,750,995, G>A on the plus strand (C>T on the coding strand, the complement: MN1 is on the minus strand). VCF-style: chr22-27750995-G-A. GRCh37 (hg19) VCF-style: chr22-28146983-G-A.
Other names: short protein forms R1295*.
Identifiers: ClinVar variation 72912 (VCV000072912.57), dbSNP rs147334255, ClinGen allele CA204865.
Genomic context (GRCh38, chr22:27,750,995, plus strand): 5'-ATGTCCCAAATCTGTTGGAGATGTCAGAATGCAGGGACCGCCAGGTGGGCACGGAGGCTC[G>A]AGCCTTGGCGTCACCCACGTCGTCTGTGCAGTGGACAGACAGGCACTGCAAGTGGCTGCC-3'